The following is an entry in ClinVar:

NM_032608.7(MYO18B):c.2648C>T (p.Thr883Met)

Gene: MYO18B (myosin XVIIIB; plus strand). Cytogenetic location: 22q12.1.
Variant type: single nucleotide variant.
Coding change: c.2648C>T on transcript NM_032608.7 (MANE Select); coding-DNA position 2648, C replaced by T.
Protein change: p.Thr883Met; replaces threonine 883 with methionine.
Molecular consequence: missense variant.
Genome position (GRCh38, 1-based): chr22:25,823,631, C>T. VCF-style: chr22-25823631-C-T. GRCh37 (hg19) VCF-style: chr22-26219598-C-T.
Other names: c.2648C>T, p.Thr883Met (NM_001318245.2); c.2648C>T (NM_032608.5); short protein forms T883M.
Identifiers: ClinVar variation 2172820 (VCV002172820.4), dbSNP rs1032322291, ClinGen allele CA322788157.

ClinVar aggregate classification (germline): Uncertain significance. Review status: criteria provided, multiple submitters, no conflicts (2 of 4 stars). 2 submissions from 2 submitters: Uncertain significance (2). Last evaluated 2024-12-09.

Conditions:
Inborn genetic diseases. Identifiers: MedGen C0950123, MeSH D030342.

Allele frequency attached by ClinVar (database versions not stated): gnomAD exomes 0.00001; gnomAD 0.00002; TOPMed 0.00002.
gnomAD v4.1: 18 of 1,613,832 alleles (0.0011%); highest among the groups gnomAD compares: Admixed American, 0.005%; no homozygotes.

Submissions (2):

Labcorp Genetics (formerly Invitae), Labcorp
Classification: Uncertain significance. Last evaluated: 2024-12-09. Review status: criteria provided, single submitter. Criteria: Invitae Variant Classification Sherloc (09022015). Collection method: clinical testing. Allele origin: germline.
Comment: This sequence change replaces threonine, which is neutral and polar, with methionine, which is neutral and non-polar, at codon 883 of the MYO18B protein (p.Thr883Met). This variant is present in population databases (no rsID available, gnomAD 0.006%). This variant has not been reported in the literature in individuals affected with MYO18B-related conditions. ClinVar contains an entry for this variant (Variation ID: 2172820). An algorithm developed to predict the effect of missense changes on protein structure and function outputs the following: PolyPhen-2: "Possibly Damaging". The methionine amino acid residue is found in multiple mammalian species, which suggests that this missense change does not adversely affect protein function. In summary, the available evidence is currently insufficient to determine the role of this variant in disease. Therefore, it has been classified as a Variant of Uncertain Significance.

Ambry Genetics
Classification: Uncertain significance for Inborn genetic diseases. Last evaluated: 2021-08-04. Review status: criteria provided, single submitter. Criteria: Ambry Variant Classification Scheme 2023. Collection method: clinical testing. Allele origin: germline.